The following is an entry in ClinVar:

NM_001370259.2(MEN1):c.526G>T (p.Ala176Ser)

Gene: MEN1 (menin 1; minus strand). Cytogenetic location: 11q13.1.
Variant type: single nucleotide variant.
Coding change: c.526G>T on transcript NM_001370259.2 (MANE Select); coding-DNA position 526, G replaced by T.
Protein change: p.Ala176Ser; replaces alanine 176 with serine.
Molecular consequence: missense variant.
Genome position (GRCh38, 1-based): chr11:64,808,019, C>A on the plus strand (G>T on the coding strand, the complement: MEN1 is on the minus strand). VCF-style: chr11-64808019-C-A. GRCh37 (hg19) VCF-style: chr11-64575491-C-A.
Other names: c.541G>T, p.Ala181Ser (NM_000244.4, NM_130800.3, NM_130801.3 and 3 more transcripts); c.526G>T, p.Ala176Ser (NM_001370251.2, NM_001370260.2, NM_001370261.2 and 3 more transcripts); short protein forms A176S, A181S.
Identifiers: ClinVar variation 485714 (VCV000485714.18), dbSNP rs376872829, ClinGen allele CA061279.

ClinVar aggregate classification (germline): Conflicting classifications of pathogenicity. Review status: criteria provided, conflicting classifications (1 of 4 stars). 8 submissions from 8 submitters: Uncertain significance (6); Likely benign (2). Last evaluated 2025-12-31.

Conditions:
Hereditary cancer-predisposing syndrome. Also called: Tumor predisposition; Hereditary Cancer Syndrome; Neoplastic Syndromes, Hereditary; Hereditary neoplastic syndrome. Identifiers: Orphanet 140162, MedGen C0027672, MeSH D009386, MONDO:0015356.
Multiple endocrine neoplasia, type 1 (MEN1). Also called: MEN I; WERMER SYNDROME; Endocrine adenomatosis multiple; MEN 1; MEA I. Identifiers: Orphanet 652, MedGen C0025267, MeSH D018761, MONDO:0007540, OMIM 131100.

Allele frequency attached by ClinVar (database versions not stated): ExAC 0.00001; gnomAD 0.00001; TOPMed 0.00001; ESP Exome Variant Server 0.00008.

Submissions (8):

Labcorp Genetics (formerly Invitae), Labcorp
Classification: Likely benign for Multiple endocrine neoplasia, type 1. Last evaluated: 2025-12-31. Review status: criteria provided, single submitter. Criteria: Invitae Variant Classification Sherloc (09022015). Collection method: clinical testing. Allele origin: germline.

Color Diagnostics, LLC DBA Color Health
Classification: Uncertain significance for Multiple endocrine neoplasia, type 1. Last evaluated: 2025-09-04. Review status: criteria provided, single submitter. Criteria: ACMG Guidelines, 2015. Collection method: clinical testing. Allele origin: germline.
Comment: This missense variant replaces alanine with serine at codon 176 of the MEN1 protein. Computational predictions are inconclusive regarding the impact of this variant on protein structure and function. To our knowledge, functional studies have not been reported for this variant. This variant has been detected in 3 individuals or families affected with MEN1 (PMID: 30820182). A different missense variant at this codon, p.Ala176Pro, is considered disease-causing in ClinVar (variation ID 200975) and has been detected in a family affected with MEN1 (PMID: 9215689) and functional studies have shown the p.Ala176Pro variant to be unstable and exhibited loss of function in the binding and regulation of JunD and in homology-directed repair and response to DNA damage (PMID: 9989505, 11221882, 12509449, 22090276, 23648481). This variant has been identified in 5/251222 chromosomes in the general population by the Genome Aggregation Database (gnomAD). The available evidence is insufficient to determine the role of this variant in disease conclusively. Therefore, this variant is classified as a Variant of Uncertain Significance.

Blueprint Genetics
Classification: Uncertain significance. Last evaluated: 2024-05-28. Review status: criteria provided, single submitter. Criteria: ACMG Guidelines, 2015. Collection method: clinical testing. Allele origin: germline.

Baylor Genetics
Classification: Uncertain significance for Multiple Endocrine Neoplasia Type 1. Last evaluated: 2024-03-14. Review status: criteria provided, single submitter. Criteria: ACMG Guidelines, 2015. Collection method: clinical testing. Allele origin: unknown.

All of Us Research Program, National Institutes of Health
Classification: Uncertain significance for Multiple endocrine neoplasia, type 1. Last evaluated: 2024-01-11. Review status: criteria provided, single submitter. Criteria: ACMG Guidelines, 2015. Collection method: clinical testing. Allele origin: germline. Inheritance: Autosomal dominant inheritance. Observed: 3 variant alleles, 3 heterozygotes.
Comment: This missense variant replaces alanine with serine at codon 176 of the MEN1 protein. Computational prediction suggests that this variant may have deleterious impact on protein structure and function (internally defined REVEL score threshold >= 0.7, PMID: 27666373). To our knowledge, functional studies have not been reported for this variant. This variant has been detected in 3 individuals or families affected with MEN1 (PMID: 30820182). A different missense variant at this codon, p.Ala176Pro, is considered disease-causing in ClinVar (variation ID 200975) and has been detected in a family affected with MEN1 (PMID: 9215689) and functional studies have shown the p.Ala176Pro variant to be unstable and exhibited loss of function in the binding and regulation of JunD and in homology-directed repair and response to DNA damage (PMID: 9989505, 11221882, 12509449, 22090276, 23648481). This variant has been identified in 5/251222 chromosomes in the general population by the Genome Aggregation Database (gnomAD). The available evidence is insufficient to determine the role of this variant in disease conclusively. Therefore, this variant is classified as a Variant of Uncertain Significance.

This study involves interpretation of variants in research participants for the purpose of population health screening. Participant phenotype was not available at the time of variant classification. Additional details can be found in publication PMID: 35346344, PMCID: PMC8962531

GeneDx
Classification: Uncertain significance. Last evaluated: 2022-05-12. Review status: criteria provided, single submitter. Criteria: GeneDx Variant Classification Process June 2021. Collection method: clinical testing. Allele origin: germline. Affected: yes.
Comment: Not observed at significant frequency in large population cohorts (gnomAD); In silico analysis, which includes protein predictors and evolutionary conservation, supports a deleterious effect; Observed in individuals undergoing testing for Multiple Endocrine Neoplasia Type 1, with no phenotypic details provided (Isailovic 2019); This variant is associated with the following publications: (PMID: 31159747, 9989505, 30820182)

Ambry Genetics
Classification: Likely benign for Hereditary cancer-predisposing syndrome. Last evaluated: 2022-04-01. Review status: criteria provided, single submitter. Criteria: Ambry Variant Classification Scheme 2023. Collection method: clinical testing. Allele origin: germline.

GeneKor MSA
Classification: Uncertain significance for Hereditary cancer-predisposing syndrome. Last evaluated: 2018-08-01. Review status: criteria provided, single submitter. Criteria: ACMG Guidelines, 2015. Collection method: clinical testing. Allele origin: germline. Affected: yes.

Literature cited by the submitters: PubMed 9215689 (cited by Color Diagnostics, LLC DBA Color Health and All of Us Research Program, National Institutes of Health); PubMed 9989505 (cited by Color Diagnostics, LLC DBA Color Health and All of Us Research Program, National Institutes of Health); PubMed 11221882 (cited by Color Diagnostics, LLC DBA Color Health and All of Us Research Program, National Institutes of Health); PubMed 12509449 (cited by Color Diagnostics, LLC DBA Color Health and All of Us Research Program, National Institutes of Health); PubMed 22090276 (cited by Color Diagnostics, LLC DBA Color Health and All of Us Research Program, National Institutes of Health); PubMed 23648481 (cited by Color Diagnostics, LLC DBA Color Health and All of Us Research Program, National Institutes of Health); PubMed 30820182 (cited by 3 submitters); PubMed 31159747 (cited by Ambry Genetics).